The following is an entry in ClinVar:

ClinVar aggregate classification (germline): Benign/Likely benign. Review status: criteria provided, multiple submitters, no conflicts (2 of 4 stars). 2 submissions from 2 submitters: Benign (1); Likely benign (1). Last evaluated 2026-01-01.

Allele frequency attached by ClinVar (database versions not stated): gnomAD exomes 0.00021; ExAC 0.00073; 1000 Genomes Project 0.00180; 1000 Genomes Project 30x 0.00250; gnomAD 0.00251; TOPMed 0.00264; ESP Exome Variant Server 0.00347.
gnomAD v4.1: 700 of 1,602,728 alleles (0.044%); highest among the groups gnomAD compares: African/African-American, 0.79%; 2 homozygotes.

Submissions (2):

Labcorp Genetics (formerly Invitae), Labcorp
Classification: Benign. Last evaluated: 2026-01-01. Review status: criteria provided, single submitter. Criteria: Invitae Variant Classification Sherloc (09022015). Collection method: clinical testing. Allele origin: germline.

CeGaT Center for Human Genetics Tuebingen
Classification: Likely benign. Last evaluated: 2023-07-01. Review status: criteria provided, single submitter. Criteria: CeGaT Center For Human Genetics Tuebingen Variant Classification Criteria Version 2. Collection method: clinical testing. Allele origin: germline. Affected: yes. Observed: 1 variant allele.
Comment: IREB2: BP4, BS2

NM_004136.4(IREB2):c.78C>T (p.Phe26=)

Gene: IREB2 (iron responsive element binding protein 2; plus strand). Cytogenetic location: 15q25.1.
Variant type: single nucleotide variant.
Coding change: c.78C>T on transcript NM_004136.4 (MANE Select); coding-DNA position 78, C replaced by T.
Protein change: p.Phe26=; no amino-acid change (phenylalanine 26 retained).
Molecular consequence: synonymous variant. On other transcripts: 5 prime UTR variant (3).
Genome position (GRCh38, 1-based): chr15:78,439,853, C>T. VCF-style: chr15-78439853-C-T. GRCh37 (hg19) VCF-style: chr15-78732195-C-T.
Other names: c.-603C>T (NM_001320941.2); c.-94C>T (NM_001320942.2, NM_001354994.2); c.78C>T, p.Phe26= (NM_001320943.2).
Identifiers: ClinVar variation 2051030 (VCV002051030.28), dbSNP rs150473761, ClinGen allele CA7682624.